The following is an entry in ClinVar:

NM_005732.4(RAD50):c.3253ATT[1] (p.Ile1086del)

Gene: RAD50 (RAD50 double strand break repair protein; plus strand). Cytogenetic location: 5q31.1.
Variant type: Microsatellite.
Coding change: c.3253ATT[1] on transcript NM_005732.4 (MANE Select); one copy of the 3-base unit ATT starting at c.3253; the reference has two copies in a row; one copy, 3 bases deleted.
Protein change: p.Ile1086del; deletes isoleucine 1086.
Molecular consequence: inframe deletion.
Genome position (GRCh38, 1-based): chr5:132,618,161-132,618,163, ATT deleted; deleting any 3 consecutive bases within chr5:132,618,158-132,618,163 gives the same sequence; the position shown is the placement nearest the transcript's 3' end. VCF-style (leftmost placement, unchanged base first): chr5-132618157-AATT-A. GRCh37 (hg19) VCF-style: chr5-131953849-AATT-A.
Other names: short protein forms I1086del.
Identifiers: ClinVar variation 2015498 (VCV002015498.4), dbSNP rs2479388488, ClinGen allele CA2580613660.

ClinVar aggregate classification (germline): Uncertain significance (1 of 4 stars; one submission).

Conditions:
Hereditary cancer-predisposing syndrome. Also called: Hereditary Cancer Syndrome; Neoplastic Syndromes, Hereditary; Hereditary neoplastic syndrome; Tumor predisposition. Identifiers: Orphanet 140162, MedGen C0027672, MeSH D009386, MONDO:0015356.

Submission:

Labcorp Genetics (formerly Invitae), Labcorp
Classification: Uncertain significance for Hereditary cancer-predisposing syndrome. Last evaluated: 2022-09-01. Review status: criteria provided, single submitter. Criteria: Invitae Variant Classification Sherloc (09022015). Collection method: clinical testing. Allele origin: germline.
Comment: In summary, the available evidence is currently insufficient to determine the role of this variant in disease. Therefore, it has been classified as a Variant of Uncertain Significance. Experimental studies and prediction algorithms are not available or were not evaluated, and the functional significance of this variant is currently unknown. This variant has not been reported in the literature in individuals affected with RAD50-related conditions. This variant is not present in population databases (gnomAD no frequency). This variant, c.3256_3258del, results in the deletion of 1 amino acid(s) of the RAD50 protein (p.Ile1086del), but otherwise preserves the integrity of the reading frame.